The following is an entry in ClinVar:

NM_030662.4(MAP2K2):c.581-9C>T

Gene: MAP2K2 (mitogen-activated protein kinase kinase 2; minus strand). Cytogenetic location: 19p13.3.
Variant type: single nucleotide variant.
Coding change: c.581-9C>T on transcript NM_030662.4 (MANE Select); 9 bases into the intron before coding-DNA position 581, C replaced by T.
Molecular consequence: intron variant.
Genome position (GRCh38, 1-based): chr19:4,101,152, G>A on the plus strand (C>T on the coding strand, the complement: MAP2K2 is on the minus strand). VCF-style: chr19-4101152-G-A. GRCh37 (hg19) VCF-style: chr19-4101150-G-A.
Identifiers: ClinVar variation 507401 (VCV000507401.15), dbSNP rs539611844, ClinGen allele CA304449892.
Genomic context (GRCh38, chr19:4,101,152, plus strand): 5'-CACAGCTTGATCTCCCCTCTAGAGTTCACGAGGATGTTGGAGGGCTTCACATCTGGAGGC[G>A]GCAGGCTGCGGGTGAGGGGCGCCCAACAGTTGCCTGCCGGCCCCCGGGGCTCTGGGGAGG-3'

ClinVar aggregate classification (germline): Likely benign. Review status: criteria provided, multiple submitters, no conflicts (2 of 4 stars). 4 submissions from 4 submitters: Likely benign (4). Last evaluated 2025-10-14.

Conditions:
RASopathy. Also called: Noonan spectrum disorder; rasopathies. Identifiers: Orphanet 536391, MedGen C5555857, MONDO:0021060.

Allele frequency attached by ClinVar (database versions not stated): gnomAD 0.00002 and 0.00003; TOPMed 0.00002.
gnomAD v4.1: 10 of 1,606,854 alleles (0.00062%); highest among the groups gnomAD compares: Admixed American, 0.0034%; no homozygotes.

Submissions (4):

Labcorp Genetics (formerly Invitae), Labcorp
Classification: Likely benign for RASopathy. Last evaluated: 2025-10-14. Review status: criteria provided, single submitter. Criteria: Invitae Variant Classification Sherloc (09022015). Collection method: clinical testing. Allele origin: germline.

Women's Health and Genetics/Laboratory Corporation of America, LabCorp
Classification: Likely benign. Last evaluated: 2025-01-08. Review status: criteria provided, single submitter. Criteria: LabCorp Variant Classification Summary - May 2015. Collection method: clinical testing. Allele origin: germline.
Comment: Variant summary: MAP2K2 c.581-9C>T alters a non-conserved nucleotide located at a position not widely known to affect splicing. Consensus agreement among computation tools predict no significant impact on normal splicing (TrAP). However, these predictions have yet to be confirmed by functional studies. The frequency data for this variant in gnomAD is considered unreliable, as metrics indicate poor data quality at this position. c.581-9C>T has been reported in the literature in an individual with increased nuchal translucency (Leach_GM_2019). This report does not provide unequivocal conclusions about association of the variant with Noonan Syndrome And Related Conditions. To our knowledge, no experimental evidence demonstrating an impact on protein function has been reported. The following publication have been ascertained in the context of this evaluation (PMID: 29907801). ClinVar contains an entry for this variant (Variation ID: 507401). Based on the evidence outlined above, the variant was classified as likely benign.

Blueprint Genetics
Classification: Likely benign. Last evaluated: 2023-03-21. Review status: criteria provided, single submitter. Criteria: ACMG Guidelines, 2015. Collection method: clinical testing. Allele origin: germline.

GeneDx
Classification: Likely benign. Last evaluated: 2017-02-09. Review status: criteria provided, single submitter. Criteria: GeneDx Variant Classification (06012015). Collection method: clinical testing. Allele origin: germline. Affected: yes.
Comment: This variant is considered likely benign or benign based on one or more of the following criteria: it is a conservative change, it occurs at a poorly conserved position in the protein, it is predicted to be benign by multiple in silico algorithms, and/or has population frequency not consistent with disease.

Literature cited by the submitters: PubMed 29907801 (cited by Women's Health and Genetics/Laboratory Corporation of America, LabCorp).